The following is an entry in ClinVar:

NM_182914.3(SYNE2):c.670C>T (p.Arg224Ter)

Gene: SYNE2 (spectrin repeat containing nuclear envelope protein 2; plus strand). Cytogenetic location: 14q23.2.
Variant type: single nucleotide variant.
Coding change: c.670C>T on transcript NM_182914.3 (MANE Select); coding-DNA position 670, C replaced by T.
Protein change: p.Arg224Ter; replaces arginine 224 with a stop codon.
Molecular consequence: nonsense.
Genome position (GRCh38, 1-based): chr14:63,954,798, C>T. VCF-style: chr14-63954798-C-T. GRCh37 (hg19) VCF-style: chr14-64421516-C-T.
Other names: c.670C>T, p.Arg224Ter (NM_015180.6); short protein forms R224*.
Identifiers: ClinVar variation 2860958 (VCV002860958.3), dbSNP rs1595862725, ClinGen allele CA389942309.

ClinVar aggregate classification (germline): Uncertain significance (1 of 4 stars; one submission).

Conditions:
Emery-Dreifuss muscular dystrophy 5, autosomal dominant (EDMD5). Also called: EMERY-DREIFUSS MUSCULAR DYSTROPHY 5. Identifiers: Orphanet 261, MedGen C2751805, MONDO:0013072, OMIM 612999.

Submission:

Labcorp Genetics (formerly Invitae), Labcorp
Classification: Uncertain significance for Emery-Dreifuss muscular dystrophy 5, autosomal dominant. Last evaluated: 2023-08-24. Review status: criteria provided, single submitter. Criteria: Invitae Variant Classification Sherloc (09022015). Collection method: clinical testing. Allele origin: germline.
Comment: In summary, the available evidence is currently insufficient to determine the role of this variant in disease. Therefore, it has been classified as a Variant of Uncertain Significance. This variant has not been reported in the literature in individuals affected with SYNE2-related conditions. This variant is not present in population databases (gnomAD no frequency). This sequence change creates a premature translational stop signal (p.Arg224*) in the SYNE2 gene. It is expected to result in an absent or disrupted protein product. However, the current clinical and genetic evidence is not sufficient to establish whether loss-of-function variants in SYNE2 cause disease.